The following is an entry in ClinVar:

NM_004393.6(DAG1):c.2660G>A (p.Arg887Gln)

Gene: DAG1 (dystroglycan 1; plus strand). Cytogenetic location: 3p21.31.
Variant type: single nucleotide variant.
Coding change: c.2660G>A on transcript NM_004393.6 (MANE Select); coding-DNA position 2660, G replaced by A.
Protein change: p.Arg887Gln; replaces arginine 887 with glutamine.
Molecular consequence: missense variant.
Genome position (GRCh38, 1-based): chr3:49,533,171, G>A. VCF-style: chr3-49533171-G-A. GRCh37 (hg19) VCF-style: chr3-49570604-G-A.
Other names: c.2660G>A, p.Arg887Gln (NM_001165928.4, NM_001177634.3, NM_001177635.3 and 9 more transcripts); short protein forms R887Q.
Identifiers: ClinVar variation 1390641 (VCV001390641.6), dbSNP rs776025512, ClinGen allele CA2399307.
Genomic context (GRCh38, chr3:49,533,171, plus strand): 5'-CGCCCTTCACAGCACCCATGGAGGGCAAGGGCTCCCGTCCCAAGAACATGACCCCATACC[G>A]GTCACCTCCTCCCTATGTCCCACCTTAACCCGCAAGCGCCTGGGTGGAGGCAGGGTAGGG-3'
Protein context (NP_004384.5, residues 877-895): GSRPKNMTPY[Arg887Gln]SPPPYVPP

ClinVar aggregate classification (germline): Uncertain significance (1 of 4 stars; one submission).

Conditions:
Autosomal recessive limb-girdle muscular dystrophy type 2P. Also called: MUSCULAR DYSTROPHY-DYSTROGLYCANOPATHY, LIMB-GIRDLE, DAG1-RELATED; Limb-Girdle Muscular Dystrophy Type 9C; MUSCULAR DYSTROPHY, LIMB-GIRDLE, TYPE 2P. Identifiers: Orphanet 280333, MedGen C4511963, MONDO:0013440, OMIM 613818.
Muscular dystrophy-dystroglycanopathy (congenital with brain and eye anomalies), type A9. Also called: Muscular dystrophy-dystroglycanopathy (congenital with brain and eye anomalies), type a, 9; WALKER-WARBURG SYNDROME OR MUSCLE-EYE BRAIN DISEASE, DAG1-RELATED. Identifiers: Orphanet 370997, Orphanet 899, MedGen C4225291, MONDO:0014683, OMIM 616538.

Allele frequency attached by ClinVar (database versions not stated): ExAC 0.00001; gnomAD exomes 0.00001; TOPMed 0.00002; gnomAD 0.00003 and 0.00004.
gnomAD v4.1: 20 of 1,613,642 alleles (0.0012%); highest among the groups gnomAD compares: African/African-American, 0.0027%; no homozygotes.

Submission:

Labcorp Genetics (formerly Invitae), Labcorp
Classification: Uncertain significance for Autosomal recessive limb-girdle muscular dystrophy type 2P; Muscular dystrophy-dystroglycanopathy (congenital with brain and eye anomalies), type A9. Last evaluated: 2021-06-30. Review status: criteria provided, single submitter. Criteria: Invitae Variant Classification Sherloc (09022015). Collection method: clinical testing. Allele origin: germline.
Comment: This variant has not been reported in the literature in individuals with DAG1-related conditions. This variant is present in population databases (rs776025512, ExAC 0.006%). This sequence change replaces arginine with glutamine at codon 887 of the DAG1 protein (p.Arg887Gln). The arginine residue is highly conserved and there is a small physicochemical difference between arginine and glutamine. Algorithms developed to predict the effect of missense changes on protein structure and function are either unavailable or do not agree on the potential impact of this missense change (SIFT: "Deleterious"; PolyPhen-2: "Not Available"; Align-GVGD: "Class C0"). In summary, the available evidence is currently insufficient to determine the role of this variant in disease. Therefore, it has been classified as a Variant of Uncertain Significance.